The following is an entry in ClinVar:

NM_006785.4(MALT1):c.1911+1G>T

Gene: MALT1 (MALT1 paracaspase; plus strand). Cytogenetic location: 18q21.32.
Variant type: single nucleotide variant.
Coding change: c.1911+1G>T on transcript NM_006785.4 (MANE Select); the canonical splice donor site of the intron after coding-DNA position 1911, G replaced by T.
Molecular consequence: splice donor variant.
Genome position (GRCh38, 1-based): chr18:58,744,496, G>T. VCF-style: chr18-58744496-G-T. GRCh37 (hg19) VCF-style: chr18-56411728-G-T.
Other names: c.1878+1G>T (NM_173844.3).
Identifiers: ClinVar variation 2797070 (VCV002797070.4), dbSNP rs1450046707, ClinGen allele CA402576072.
Genomic context (GRCh38, chr18:58,744,496, plus strand): 5'-ATAGTTTACAAACCACCGGAGATAATAATGTGTGATGCCTACGTTACTGATTTTCCACTT[G>T]TGAGTCTCTTCTTTTATTTAAAATACAGTGATATATTCTCACTTATTAAAGACTAAATTT-3'

ClinVar aggregate classification (germline): Likely pathogenic (1 of 4 stars; one submission).

Conditions:
Combined immunodeficiency due to MALT1 deficiency. Also called: Immunodeficiency 12. Identifiers: Orphanet 397964, MedGen C3809583, MONDO:0014197, OMIM 615468.

Allele frequency attached by ClinVar (database versions not stated): gnomAD 0.00001.
gnomAD v4.1: 1 of 1,590,988 alleles (0.000063%); highest among the groups gnomAD compares: Non-Finnish European, 0.000086%; no homozygotes.

Submissions (2):

Labcorp Genetics (formerly Invitae), Labcorp
Classification: Likely pathogenic for Combined immunodeficiency due to MALT1 deficiency. Last evaluated: 2023-10-03. Review status: criteria provided, single submitter. Criteria: Invitae Variant Classification Sherloc (09022015). Collection method: clinical testing. Allele origin: germline.
Comment: This sequence change affects a donor splice site in intron 15 of the MALT1 gene. It is expected to disrupt RNA splicing. Variants that disrupt the donor or acceptor splice site typically lead to a loss of protein function (PMID: 16199547), and loss-of-function variants in MALT1 are known to be pathogenic (PMID: 23727036, 25627829). The frequency data for this variant in the population databases is considered unreliable, as metrics indicate poor data quality at this position in the gnomAD database. This variant has not been reported in the literature in individuals affected with MALT1-related conditions. Algorithms developed to predict the effect of sequence changes on RNA splicing suggest that this variant may disrupt the consensus splice site. In summary, the currently available evidence indicates that the variant is pathogenic, but additional data are needed to prove that conclusively. Therefore, this variant has been classified as Likely Pathogenic.

Dr. Peter K. Rogan Lab, Western University
No classification provided (evidence only). Condition: Uterine corpus endometrial carcinoma. Review status: no classification provided. Collection method: in vitro. Allele origin: not applicable. Functional consequence: retained intron. Not counted in ClinVar's aggregate classification.

Literature cited by the submitters: PubMed 16199547 (cited by Labcorp Genetics (formerly Invitae), Labcorp); PubMed 23727036 (cited by Labcorp Genetics (formerly Invitae), Labcorp); PubMed 25627829 (cited by Labcorp Genetics (formerly Invitae), Labcorp).